The following is an entry in ClinVar:

ClinVar aggregate classification (germline): Uncertain significance. Review status: criteria provided, multiple submitters, no conflicts (2 of 4 stars). 3 submissions from 3 submitters: Uncertain significance (3). Last evaluated 2024-09-22.

Allele frequency attached by ClinVar (database versions not stated): gnomAD exomes 0.00005 and 0.00008; TOPMed 0.00005; gnomAD 0.00006 and 0.00007; ExAC 0.00009.
gnomAD v4.1: 85 of 1,613,490 alleles (0.0053%); highest among the groups gnomAD compares: Admixed American, 0.043%; no homozygotes.

Submissions (3):

GeneDx
Classification: Uncertain significance. Last evaluated: 2024-09-22. Review status: criteria provided, single submitter. Criteria: GeneDx Variant Classification Process June 2021. Collection method: clinical testing. Allele origin: germline. Affected: yes.
Comment: In silico analysis indicates that this missense variant does not alter protein structure/function; Has not been previously published as pathogenic or benign to our knowledge

Labcorp Genetics (formerly Invitae), Labcorp
Classification: Uncertain significance. Last evaluated: 2022-08-06. Review status: criteria provided, single submitter. Criteria: Invitae Variant Classification Sherloc (09022015). Collection method: clinical testing. Allele origin: germline.
Comment: This sequence change replaces aspartic acid, which is acidic and polar, with asparagine, which is neutral and polar, at codon 265 of the MME protein (p.Asp265Asn). This variant is present in population databases (rs767535205, gnomAD 0.05%). This variant has not been reported in the literature in individuals affected with MME-related conditions. ClinVar contains an entry for this variant (Variation ID: 1397326). Algorithms developed to predict the effect of missense changes on protein structure and function output the following: SIFT: "Tolerated"; PolyPhen-2: "Benign"; Align-GVGD: "Class C0". The asparagine amino acid residue is found in multiple mammalian species, which suggests that this missense change does not adversely affect protein function. In summary, the available evidence is currently insufficient to determine the role of this variant in disease. Therefore, it has been classified as a Variant of Uncertain Significance.

Breakthrough Genomics
Classification: Uncertain significance. Review status: criteria provided, single submitter. Criteria: ACMG Guidelines, 2015. Collection method: not provided. Allele origin: germline. Inheritance: Autosomal recessive inheritance. Affected: yes.

NM_007289.4(MME):c.793G>A (p.Asp265Asn)

Gene: MME (membrane metalloendopeptidase; plus strand). Cytogenetic location: 3q25.2.
Variant type: single nucleotide variant.
Coding change: c.793G>A on transcript NM_007289.4 (MANE Select); coding-DNA position 793, G replaced by A.
Protein change: p.Asp265Asn; replaces aspartic acid 265 with asparagine.
Molecular consequence: missense variant.
Genome position (GRCh38, 1-based): chr3:155,138,174, G>A. VCF-style: chr3-155138174-G-A. GRCh37 (hg19) VCF-style: chr3-154855963-G-A.
Other names: c.793G>A, p.Asp265Asn (NM_000902.5, NM_001354642.2, NM_001354643.1 and 2 more transcripts); c.793G>A (NM_007289.2); short protein forms D265N.
Identifiers: ClinVar variation 1397326 (VCV001397326.5), dbSNP rs767535205, ClinGen allele CA2675277.